The following is an entry in ClinVar:

GRCh38/hg38 1q21.1-21.2(chr1:146987841-148436984)x1

Genes: ACP6 (acid phosphatase 6, lysophosphatidic; minus strand), BCL9 (BCL9 transcription coactivator; plus strand), CHD1L (chromodomain helicase DNA binding protein 1 like; plus strand), FMO5 (flavin containing dimethylaniline monoxygenase 5; minus strand), LINC02805 (long independently transcribed non-coding RNA 2805; plus strand) and 53 more. Cytogenetic location: 1q21.1-21.2.
Variant type: copy number loss.
Change: copy number 1 (one copy instead of two) of chr1:146,987,841-148,436,984 (1.45 Mb, GRCh38 coordinates, 1-based), cytogenetic band 1q21.1-21.2.
Identifiers: ClinVar variation 160942 (VCV000160942.1).

ClinVar aggregate classification (germline): Pathogenic. Review status: criteria provided, multiple submitters, no conflicts (2 of 4 stars). 2 submissions from 2 submitters: Pathogenic (2). Last evaluated 2011-08-12.

Submissions (2):

ISCA site 17
Classification: Pathogenic. Last evaluated: 2011-08-12. Review status: criteria provided, single submitter. Criteria: Kaminsky et al. (Genet Med. 2011). Collection method: clinical testing. Allele origin: unknown. Affected: yes. Observed: 1 variant allele.
Comment: Copy number variation identified through the course of routine clinical cytogenomic testing in postnatal populations. Clinical assertions have been curated as described in Kaminsky et al. 2011.

ISCA site 4
Classification: Pathogenic. Last evaluated: 2011-08-12. Review status: criteria provided, single submitter. Criteria: Kaminsky et al. (Genet Med. 2011). Collection method: clinical testing. Allele origin: unknown. Affected: yes. Observed: 1 variant allele.
Comment: the same text as in the submission from ISCA site 17 above.